The following is an entry in ClinVar:

NM_033109.5(PNPT1):c.610C>G (p.Pro204Ala)

Gene: PNPT1 (polyribonucleotide nucleotidyltransferase 1; minus strand). Cytogenetic location: 2p16.1.
Variant type: single nucleotide variant.
Coding change: c.610C>G on transcript NM_033109.5 (MANE Select); coding-DNA position 610, C replaced by G.
Protein change: p.Pro204Ala; replaces proline 204 with alanine.
Molecular consequence: missense variant.
Genome position (GRCh38, 1-based): chr2:55,679,751, G>C on the plus strand (C>G on the coding strand, the complement: PNPT1 is on the minus strand). VCF-style: chr2-55679751-G-C. GRCh37 (hg19) VCF-style: chr2-55906886-G-C.
Other names: short protein forms P204A.
Identifiers: ClinVar variation 1441597 (VCV001441597.5), dbSNP rs1217507378, ClinGen allele CA346937600.

ClinVar aggregate classification (germline): Uncertain significance (1 of 4 stars; one submission).

Allele frequency attached by ClinVar (database versions not stated): gnomAD exomes below 0.00001; gnomAD 0.00001; TOPMed 0.00001.
gnomAD v4.1: 3 of 1,610,564 alleles (0.00019%); highest among the groups gnomAD compares: Admixed American, 0.0034%; no homozygotes.

Submission:

Labcorp Genetics (formerly Invitae), Labcorp
Classification: Uncertain significance. Last evaluated: 2022-02-03. Review status: criteria provided, single submitter. Criteria: Invitae Variant Classification Sherloc (09022015). Collection method: clinical testing. Allele origin: germline.
Comment: This sequence change replaces proline, which is neutral and non-polar, with alanine, which is neutral and non-polar, at codon 204 of the PNPT1 protein (p.Pro204Ala). This variant is present in population databases (no rsID available, gnomAD 0.003%). This variant has not been reported in the literature in individuals affected with PNPT1-related conditions. Advanced modeling of protein sequence and biophysical properties (such as structural, functional, and spatial information, amino acid conservation, physicochemical variation, residue mobility, and thermodynamic stability) performed at Invitae indicates that this missense variant is expected to disrupt PNPT1 protein function. In summary, the available evidence is currently insufficient to determine the role of this variant in disease. Therefore, it has been classified as a Variant of Uncertain Significance.